The following is an entry in ClinVar:

NM_001378418.1(TCF20):c.4016C>T (p.Thr1339Ile)

Gene: TCF20 (transcription factor 20; minus strand). Cytogenetic location: 22q13.2.
Variant type: single nucleotide variant.
Coding change: c.4016C>T on transcript NM_001378418.1 (MANE Select); coding-DNA position 4016, C replaced by T.
Protein change: p.Thr1339Ile; replaces threonine 1339 with isoleucine.
Molecular consequence: missense variant.
Genome position (GRCh38, 1-based): chr22:42,211,290, G>A on the plus strand (C>T on the coding strand, the complement: TCF20 is on the minus strand). VCF-style: chr22-42211290-G-A. GRCh37 (hg19) VCF-style: chr22-42607296-G-A.
Other names: c.4016C>T (NM_005650.1); c.4016C>T, p.Thr1339Ile (NM_005650.4, NM_181492.3); short protein forms T1339I.
Identifiers: ClinVar variation 1030005 (VCV001030005.2), dbSNP rs1920954953, ClinGen allele CA411785224.
Genomic context (GRCh38, chr22:42,211,290, plus strand): 5'-ATCTTCTGAACTATAGCTTCCAATTTCAATCCCCGTCCTTTCCGTGGGGGCAGTATTTTG[G>A]TCTTAGCAGGGCTTGTGAGGGTAACAGCAGGGCAGTTTCTACTATCTGGACTTGGAAGGT-3'
Protein context (NP_001365347.1, residues 1329-1349): PAVTLTSPAK[Thr1339Ile]KILPPRKGRG

ClinVar aggregate classification (germline): Uncertain significance. Review status: criteria provided, multiple submitters, no conflicts (2 of 4 stars). 2 submissions from 2 submitters: Uncertain significance (2). Last evaluated 2024-07-10.

Conditions:
Inborn genetic diseases. Identifiers: MedGen C0950123, MeSH D030342.
Developmental delay with variable intellectual impairment and behavioral abnormalities. Identifiers: MedGen C5193092, MONDO:0032745, OMIM 618430.

Allele frequency attached by ClinVar (database versions not stated): gnomAD exomes 0.00002.
gnomAD v4.1: 26 of 1,614,174 alleles (0.0016%); highest among the groups gnomAD compares: East Asian, 0.056%; no homozygotes.

Submissions (2):

Ambry Genetics
Classification: Uncertain significance for Inborn genetic diseases. Last evaluated: 2024-07-10. Review status: criteria provided, single submitter. Criteria: Ambry Variant Classification Scheme 2023. Collection method: clinical testing. Allele origin: germline.

Baylor Genetics
Classification: Uncertain significance for Developmental delay with variable intellectual impairment and behavioral abnormalities. Last evaluated: 2020-01-15. Review status: criteria provided, single submitter. Criteria: ACMG Guidelines, 2015. Collection method: clinical testing. Allele origin: unknown. Affected: yes.
Comment: This variant was determined to be of uncertain significance according to ACMG Guidelines, 2015 [PMID:25741868].